The following is an entry in ClinVar:

NM_001256789.3(CACNA1F):c.4657A>T (p.Lys1553Ter)

Genes: CACNA1F (calcium voltage-gated channel subunit alpha1 F; minus strand), LOC126863257 (BRD4-independent group 4 enhancer GRCh37_chrX:49065732-49066931; plus strand). Cytogenetic location: Xp11.23.
Variant type: single nucleotide variant.
Coding change: c.4657A>T on transcript NM_001256789.3 (MANE Select); coding-DNA position 4657, A replaced by T.
Protein change: p.Lys1553Ter; replaces lysine 1553 with a stop codon.
Molecular consequence: nonsense.
Genome position (GRCh38, 1-based): chrX:49,209,974, T>A on the plus strand (A>T on the coding strand, the complement: CACNA1F is on the minus strand). VCF-style: chrX-49209974-T-A. GRCh37 (hg19) VCF-style: chrX-49066434-T-A.
Other names: c.4495A>T, p.Lys1499Ter (NM_001256790.3); c.4690A>T, p.Lys1564Ter (NM_005183.4); short protein forms K1564*, K1499*, K1553*.
Identifiers: ClinVar variation 2007156 (VCV002007156.4), dbSNP rs2520757556, ClinGen allele CA412960510.
Genomic context (GRCh38, chrX:49,209,974, plus strand): 5'-CGGGGAACTGGGGCGGGGATAGCTCACCGTCTGGTGGGGGGATGACCTCATCTAGCAGCT[T>A]CTGTTTCATCCGCTTCCAGATCTTTTTGATGACAATCCGCAGCTCCTGGTTGGCTTGCTC-3'

ClinVar aggregate classification (germline): Pathogenic (1 of 4 stars; one submission).

Submission:

Labcorp Genetics (formerly Invitae), Labcorp
Classification: Pathogenic. Last evaluated: 2022-06-15. Review status: criteria provided, single submitter. Criteria: Invitae Variant Classification Sherloc (09022015). Collection method: clinical testing. Allele origin: germline.
Comment: This sequence change creates a premature translational stop signal (p.Lys1564*) in the CACNA1F gene. It is expected to result in an absent or disrupted protein product. Loss-of-function variants in CACNA1F are known to be pathogenic (PMID: 9662399, 11281458, 17525176, 22194652, 24124559, 26992781). This variant is not present in population databases (gnomAD no frequency). This variant has not been reported in the literature in individuals affected with CACNA1F-related conditions. For these reasons, this variant has been classified as Pathogenic.

Literature cited by the submitters: PubMed 9662399; PubMed 11281458; PubMed 17525176; PubMed 22194652; PubMed 24124559; PubMed 26992781.